The following is an entry in ClinVar:

ClinVar aggregate classification (germline): Likely benign (0 of 4 stars; one submission).

Conditions:
CEP170B-related disorder. Also called: CEP170B-related condition.

Allele frequency attached by ClinVar (database versions not stated): gnomAD exomes 0.00035; gnomAD 0.00062; ExAC 0.00121; 1000 Genomes Project 30x 0.00265; 1000 Genomes Project 0.00280.
gnomAD v4.1: 752 of 1,610,624 alleles (0.047%); highest among the groups gnomAD compares: East Asian, 1.1%; 10 homozygotes.

Submission:

PreventionGenetics, part of Exact Sciences
Classification: Likely benign for CEP170B-related condition. Last evaluated: 2019-03-27. Review status: no assertion criteria provided. Collection method: clinical testing. Allele origin: germline.
Comment: This variant is classified as likely benign based on ACMG/AMP sequence variant interpretation guidelines (Richards et al. 2015 PMID: 25741868, with internal and published modifications).

NM_001112726.3(CEP170B):c.2884G>A (p.Val962Ile)

Gene: CEP170B (centrosomal protein 170B; plus strand). Cytogenetic location: 14q32.33.
Variant type: single nucleotide variant.
Coding change: c.2884G>A on transcript NM_001112726.3 (MANE Select); coding-DNA position 2884, G replaced by A.
Protein change: p.Val962Ile; replaces valine 962 with isoleucine.
Molecular consequence: missense variant.
Genome position (GRCh38, 1-based): chr14:104,887,123, G>A. VCF-style: chr14-104887123-G-A. GRCh37 (hg19) VCF-style: chr14-105353460-G-A.
Other names: c.2674G>A, p.Val892Ile (NM_015005.3); short protein forms V892I, V962I.
Identifiers: ClinVar variation 3053206 (VCV003053206.2), dbSNP rs183624540, ClinGen allele CA7375992.
Genomic context (GRCh38, chr14:104,887,123, plus strand): 5'-ACCCCGAGGCCGCCGGAGGACGCCCTGTCTGGGGACTCGGACGTGGACACAGCCAGCACC[G>A]TCAGCCTGCGTAGTGGCAAGAGCGGGCCCAGCCCCACAACCCCCCAGCCTCTGCGGGCAC-3'
Protein context (NP_001106197.1, residues 952-972): GDSDVDTAST[Val962Ile]SLRSGKSGPS